The following is an entry in ClinVar:

ClinVar aggregate classification (germline): Likely benign (1 of 4 stars; one submission).

Submission:

CeGaT Center for Human Genetics Tuebingen
Classification: Likely benign. Last evaluated: 2026-03-01. Review status: criteria provided, single submitter. Criteria: CeGaT Center For Human Genetics Tuebingen Variant Classification Criteria Version 2. Collection method: clinical testing. Allele origin: germline. Affected: yes. Observed: 1 variant allele.
Comment: IMPDH2: BP4, BP7

NM_000884.3(IMPDH2):c.684G>A (p.Lys228=)

Gene: IMPDH2 (inosine monophosphate dehydrogenase 2; minus strand). Cytogenetic location: 3p21.31.
Variant type: single nucleotide variant.
Coding change: c.684G>A on transcript NM_000884.3 (MANE Select); coding-DNA position 684, G replaced by A.
Protein change: p.Lys228=; no amino-acid change (lysine 228 retained).
Molecular consequence: synonymous variant.
Genome position (GRCh38, 1-based): chr3:49,026,822, C>T on the plus strand (G>A on the coding strand, the complement: IMPDH2 is on the minus strand). VCF-style: chr3-49026822-C-T. GRCh37 (hg19) VCF-style: chr3-49064255-C-T.
Other names: c.684G>A, p.Lys228= (NM_001410759.1); c.609G>A, p.Lys203= (NM_001410760.1, NM_001410761.1).
Identifiers: ClinVar variation 4822748 (VCV004822748.4).